The following is an entry in ClinVar:

ClinVar aggregate classification (germline): Likely pathogenic (1 of 4 stars; one submission).

Conditions:
GNE myopathy (NM). Also called: MYOPATHY, DISTAL, WITH OR WITHOUT RIMMED VACUOLES; IBM 2; Inclusion body myopathy autosomal recessive; Inclusion body myopathy quadriceps sparing; NONAKA DISTAL MYOPATHY; INCLUSION BODY MYOPATHY, HEREDITARY, AUTOSOMAL RECESSIVE. Identifiers: Orphanet 602, MedGen C1853926, MONDO:0011603, OMIM 605820.

Submission:

Natera, Inc.
Classification: Likely pathogenic for Nonaka myopathy. Last evaluated: 2025-09-16. Review status: criteria provided, single submitter. Criteria: Natera Variant Classification Schema (03/2026). Collection method: clinical testing. Allele origin: germline.
Comment: The c.2113_2116del variant in GNE is a frameshift variant predicted to elongate the protein beyond the termination codon. This variant is expected to result in nonsense mediated decay, truncation, or a dysfunctional protein product. This variant is rare in the general population with a frequency below the threshold expected for the associated phenotype(s). Given the available evidence, this variant is classified as Likely Pathogenic.

NM_005476.7(GNE):c.2020_2023del (p.His674fs)

Gene: GNE (glucosamine (UDP-N-acetyl)-2-epimerase/N-acetylmannosamine kinase; minus strand). Cytogenetic location: 9p13.3.
Variant type: Deletion.
Coding change: c.2020_2023del on transcript NM_005476.7 (MANE Select); coding-DNA positions 2020 to 2023, 4 bases deleted (CACT; older notation c.2020_2023delCACT).
Protein change: p.His674fs; shifts the reading frame from histidine 674.
Molecular consequence: frameshift variant.
Genome position (GRCh38, 1-based): chr9:36,217,511-36,217,514, AGTG deleted on the plus strand (CACT on the coding strand, the reverse complement: GNE is on the minus strand); deleting any 4 consecutive bases within chr9:36,217,511-36,217,515 gives the same sequence; the c. name uses the placement nearest the transcript's 3' end. VCF-style (leftmost placement, unchanged base first): chr9-36217510-TAGTG-T. GRCh37 (hg19) VCF-style: chr9-36217507-TAGTG-T.
Other names: c.2113_2116del, p.His705fs (NM_001128227.3); c.1798_1801del, p.His600fs (NM_001190383.3); c.1690_1693del, p.His564fs (NM_001190384.3); c.1843_1846del, p.His615fs (NM_001190388.2, NM_001374798.1); c.1867_1870del, p.His623fs (NM_001374797.1); short protein forms H564fs, H600fs, H615fs, H623fs, H674fs, H705fs.
Identifiers: ClinVar variation 4814605 (VCV004814605.1).
Genomic context (GRCh38, chr9:36,217,510, plus strand): 5'-TCCACGTCCTGCACGGAGGACAAGGCCTGCTGGCGAATGACGTCTTTGACAATGTGGATA[TAGTG>T]ACTGGCCAGGACTCCGGAGAGGATCACAAGGGAGGGATTCATGGTATGGAGGATGTTCAC-3'